The following is an entry in ClinVar:

ClinVar aggregate classification (germline): Pathogenic (1 of 4 stars; one submission).

Conditions:
Hereditary cancer-predisposing syndrome. Also called: Neoplastic Syndromes, Hereditary; Tumor predisposition; Hereditary Cancer Syndrome; Hereditary neoplastic syndrome. Identifiers: Orphanet 140162, MedGen C0027672, MeSH D009386, MONDO:0015356.

Submission:

Ambry Genetics
Classification: Pathogenic for Hereditary cancer-predisposing syndrome. Last evaluated: 2025-10-06. Review status: criteria provided, single submitter. Criteria: Ambry Variant Classification Scheme 2023. Collection method: clinical testing. Allele origin: germline.
Comment: The c.1576_1582delAGTCGAC pathogenic mutation, located in coding exon 11 of the FLCN gene, results from a deletion of 7 nucleotides at nucleotide positions 1576 to 1582, causing a translational frameshift with a predicted alternate stop codon (p.S526Pfs*9). This alteration occurs at the 3' terminus of the gene, is not expected to trigger nonsense-mediated mRNA decay, and impacts the last 9.5% of the protein. However, premature stop codons are typically deleterious in nature and a significant portion of the protein is affected (Ambry internal data). This variant is considered to be rare based on population cohorts in the Genome Aggregation Database (gnomAD). Based on the supporting evidence, this variant is interpreted as a disease-causing mutation.

NM_144997.7(FLCN):c.1576_1582del (p.Ser526fs)

Gene: FLCN (folliculin; minus strand). Cytogenetic location: 17p11.2.
Variant type: Deletion.
Coding change: c.1576_1582del on transcript NM_144997.7 (MANE Select); coding-DNA positions 1576 to 1582, 7 bases deleted (AGTCGAC; older notation c.1576_1582delAGTCGAC).
Protein change: p.Ser526fs; shifts the reading frame from serine 526.
Molecular consequence: frameshift variant.
Genome position (GRCh38, 1-based): chr17:17,213,813-17,213,819, GTCGACT deleted on the plus strand (AGTCGAC on the coding strand, the reverse complement: FLCN is on the minus strand); deleting any 7 consecutive bases within chr17:17,213,813-17,213,822 gives the same sequence; the c. name uses the placement nearest the transcript's 3' end. VCF-style (leftmost placement, unchanged base first): chr17-17213812-GGTCGACT-G. GRCh37 (hg19) VCF-style: chr17-17117126-GGTCGACT-G.
Other names: c.1630_1636del, p.Ser544fs (NM_001353229.2); c.1576_1582del, p.Ser526fs (NM_001353230.2, NM_001353231.2); c.1576_1582delAGTCGAC (NM_144997.5); short protein forms S544fs, S526fs.
Identifiers: ClinVar variation 4642911 (VCV004642911.1).